The following is an entry in ClinVar:

NM_000051.4(ATM):c.8378del (p.Pro2793fs)

Genes: ATM (ATM serine/threonine kinase; plus strand), C11orf65 (chromosome 11 open reading frame 65; minus strand). Cytogenetic location: 11q22.3.
Variant type: Deletion.
Coding change: c.8378del on transcript NM_000051.4 (MANE Select); coding-DNA position 8378, one base deleted (C; older notation c.8378delC).
Protein change: p.Pro2793fs; shifts the reading frame from proline 2793.
Molecular consequence: frameshift variant. On other transcripts: intron variant (2).
Genome position (GRCh38, 1-based): chr11:108,343,331, C deleted; the last of 2 consecutive C bases (chr11:108,343,330-108,343,331); deleting either gives the same sequence. VCF-style (leftmost placement, unchanged base first): chr11-108343329-GC-G. GRCh37 (hg19) VCF-style: chr11-108214056-GC-G.
Other names: c.8378del, p.Pro2793fs (NM_001351834.2); c.641-34259del (NM_001330368.2); c.695-8038del (NM_001351110.2); short protein forms P2793fs.
Identifiers: ClinVar variation 1763130 (VCV001763130.2), dbSNP rs2547418611, ClinGen allele CA2580083392.

ClinVar aggregate classification (germline): Pathogenic (1 of 4 stars; one submission).

Conditions:
Hereditary cancer-predisposing syndrome. Also called: Hereditary neoplastic syndrome; Neoplastic Syndromes, Hereditary; Tumor predisposition; Hereditary Cancer Syndrome. Identifiers: Orphanet 140162, MedGen C0027672, MeSH D009386, MONDO:0015356.

Submission:

Ambry Genetics
Classification: Pathogenic for Hereditary cancer-predisposing syndrome. Last evaluated: 2019-06-01. Review status: criteria provided, single submitter. Criteria: Ambry Variant Classification Scheme 2023. Collection method: clinical testing. Allele origin: germline.
Comment: The c.8378delC variant, located in coding exon 56 of the ATM gene, results from a deletion of one nucleotide at nucleotide position 8378, causing a translational frameshift with a predicted alternate stop codon (p.P2793Qfs*13). This alteration is expected to result in loss of function by premature protein truncation or nonsense-mediated mRNA decay. As such, this alteration is interpreted as a disease-causing mutation.